The following is an entry in ClinVar:

NM_001963.6(EGF):c.3371-1G>T

Gene: EGF (epidermal growth factor; plus strand). Cytogenetic location: 4q25.
Variant type: single nucleotide variant.
Coding change: c.3371-1G>T on transcript NM_001963.6 (MANE Select); the canonical splice acceptor site of the intron before coding-DNA position 3371, G replaced by T.
Molecular consequence: splice acceptor variant.
Genome position (GRCh38, 1-based): chr4:110,011,201, G>T. VCF-style: chr4-110011201-G-T. GRCh37 (hg19) VCF-style: chr4-110932357-G-T.
Other names: c.3248-1G>T (NM_001178130.3); c.3245-1G>T (NM_001178131.3); c.2923-1G>T (NM_001357021.2).
Identifiers: ClinVar variation 3673699 (VCV003673699.2).
Genomic context (GRCh38, chr4:110,011,201, plus strand): 5'-CTGTCTTGCCTATCTATTGTTAATGATATGAATATTGAAATTTCTTTTGTCTTTCATATA[G>T]GGTCAATGCAACCAACTTCATGGAGGCAGGAGCCCCAGTTATGTGGAATGGGCACAGAGC-3'

ClinVar aggregate classification (germline): Uncertain significance (1 of 4 stars; one submission).

gnomAD v4.1: 1 of 1,613,772 alleles (0.000062%); highest among the groups gnomAD compares: East Asian, 0.0022%; no homozygotes.

Submission:

Labcorp Genetics (formerly Invitae), Labcorp
Classification: Uncertain significance. Last evaluated: 2025-02-13. Review status: criteria provided, single submitter. Criteria: Invitae Variant Classification Sherloc (09022015). Collection method: clinical testing. Allele origin: germline.
Comment: This sequence change falls in intron 23 of the EGF gene. It does not directly change the encoded amino acid sequence of the EGF protein. It affects a nucleotide within the consensus splice site. This variant is not present in population databases (gnomAD no frequency). This variant has not been reported in the literature in individuals affected with EGF-related conditions. Variants that disrupt the consensus splice site are a relatively common cause of aberrant splicing (PMID: 17576681, 9536098). Algorithms developed to predict the effect of sequence changes on RNA splicing suggest that this variant may disrupt the consensus splice site. In summary, the available evidence is currently insufficient to determine the role of this variant in disease. Therefore, it has been classified as a Variant of Uncertain Significance.

Literature cited by the submitters: PubMed 17576681; PubMed 9536098.